The following is an entry in ClinVar:

NM_004699.4(FAM50A):c.597C>T (p.Ile199=)

Gene: FAM50A (family with sequence similarity 50 member A; plus strand). Cytogenetic location: Xq28.
Variant type: single nucleotide variant.
Coding change: c.597C>T on transcript NM_004699.4 (MANE Select); coding-DNA position 597, C replaced by T.
Protein change: p.Ile199=; no amino-acid change (isoleucine 199 retained).
Molecular consequence: synonymous variant.
Genome position (GRCh38, 1-based): chrX:154,448,903, C>T. VCF-style: chrX-154448903-C-T. GRCh37 (hg19) VCF-style: chrX-153677251-C-T.
Identifiers: ClinVar variation 2661817 (VCV002661817.24), dbSNP rs139766103, ClinGen allele CA10563377.

ClinVar aggregate classification (germline): Likely benign (1 of 4 stars; one submission).

Allele frequency attached by ClinVar (database versions not stated): gnomAD 0.00008; ExAC 0.00009; ESP Exome Variant Server 0.00019; 1000 Genomes Project 30x 0.00021; 1000 Genomes Project 0.00026.
gnomAD v4.1: 98 of 1,209,582 alleles (0.0081%); highest among the groups gnomAD compares: South Asian, 0.062%; 2 homozygotes.

Submission:

CeGaT Center for Human Genetics Tuebingen
Classification: Likely benign. Last evaluated: 2026-07-01. Review status: criteria provided, single submitter. Criteria: CeGaT Center For Human Genetics Tuebingen Variant Classification Criteria Version 2. Collection method: clinical testing. Allele origin: germline. Affected: yes. Observed: 2 variant alleles.
Comment: FAM50A: BP4, BP7, BS2